The following is an entry in ClinVar:

ClinVar aggregate classification (germline): Likely benign. Review status: criteria provided, multiple submitters, no conflicts (2 of 4 stars). 5 submissions from 5 submitters: Likely benign (5). Last evaluated 2025-10-15.

Conditions:
Epilepsy. Also called: Seizure disorder. Identifiers: MedGen C0014544, MeSH D004827, MONDO:0005027.
PIGQ-related disorder. Also called: PIGQ-related condition.

Allele frequency attached by ClinVar (database versions not stated): TOPMed 0.00015; 1000 Genomes Project 30x 0.00016; 1000 Genomes Project 0.00020; ESP Exome Variant Server 0.00031; gnomAD 0.00011; gnomAD exomes 0.00011 and 0.00014; ExAC 0.00012.
gnomAD v4.1: 172 of 1,610,716 alleles (0.011%); highest among the groups gnomAD compares: Admixed American, 0.02%; no homozygotes.

Submissions (5):

PreventionGenetics, part of Exact Sciences
Classification: Likely benign for PIGQ-related condition. Last evaluated: 2025-10-15. Review status: criteria provided, single submitter. Criteria: ACMG Guidelines, 2015. Collection method: clinical testing. Allele origin: germline.
Comment: This variant is classified as likely benign based on ACMG/AMP sequence variant interpretation guidelines (Richards et al. 2015 PMID: 25741868, with internal and published modifications).

Labcorp Genetics (formerly Invitae), Labcorp
Classification: Likely benign for Epilepsy. Last evaluated: 2025-09-17. Review status: criteria provided, single submitter. Criteria: Invitae Variant Classification Sherloc (09022015). Collection method: clinical testing. Allele origin: germline.

Blueprint Genetics
Classification: Likely benign. Last evaluated: 2024-10-24. Review status: criteria provided, single submitter. Criteria: ACMG Guidelines, 2015. Collection method: clinical testing. Allele origin: germline.

CeGaT Center for Human Genetics Tuebingen
Classification: Likely benign. Last evaluated: 2024-01-01. Review status: criteria provided, single submitter. Criteria: CeGaT Center For Human Genetics Tuebingen Variant Classification Criteria Version 2. Collection method: clinical testing. Allele origin: germline. Affected: yes. Observed: 1 variant allele.
Comment: PIGQ: BP4, BP7

Breakthrough Genomics
Classification: Likely benign. Review status: criteria provided, single submitter. Criteria: ACMG Guidelines, 2015. Collection method: not provided. Allele origin: germline. Inheritance: Autosomal recessive inheritance. Affected: yes.

NM_004204.5(PIGQ):c.1485G>A (p.Pro495=)

Gene: PIGQ (phosphatidylinositol glycan anchor biosynthesis class Q; plus strand). Cytogenetic location: 16p13.3.
Variant type: single nucleotide variant.
Coding change: c.1485G>A on transcript NM_004204.5 (MANE Select); coding-DNA position 1485, G replaced by A.
Protein change: p.Pro495=; no amino-acid change (proline 495 retained).
Molecular consequence: synonymous variant.
Genome position (GRCh38, 1-based): chr16:580,926, G>A. VCF-style: chr16-580926-G-A. GRCh37 (hg19) VCF-style: chr16-630926-G-A.
Other names: c.1485G>A, p.Pro495= (NM_148920.4).
Identifiers: ClinVar variation 456031 (VCV000456031.36), dbSNP rs151202639, ClinGen allele CA7780314.